The following is an entry in ClinVar:

ClinVar aggregate classification (germline): Pathogenic (1 of 4 stars; one submission).

Conditions:
Spastic paraplegia. Identifiers: MedGen C0037772, HP:0001258.

Submission:

Labcorp Genetics (formerly Invitae), Labcorp
Classification: Pathogenic for Spastic paraplegia. Last evaluated: 2019-04-26. Review status: criteria provided, single submitter. Criteria: Invitae Variant Classification Sherloc (09022015). Collection method: clinical testing. Allele origin: germline.
Comment: This variant has not been reported in the literature in individuals with L1CAM-related conditions. This sequence change creates a premature translational stop signal (p.Lys1150Glyfs*6) in the L1CAM gene. It is expected to result in an absent or disrupted protein product. This variant is not present in population databases (ExAC no frequency). Loss-of-function variants in L1CAM are known to be pathogenic (PMID: 19846429). For these reasons, this variant has been classified as Pathogenic.

Literature cited by the submitters: PubMed 19846429.

NM_001278116.2(L1CAM):c.3448_3452delinsGGG (p.Lys1150fs)

Gene: L1CAM (L1 cell adhesion molecule; minus strand). Cytogenetic location: Xq28.
Variant type: Indel.
Coding change: c.3448_3452delinsGGG on transcript NM_001278116.2 (MANE Select); coding-DNA positions 3448 to 3452, AAATA replaced by GGG.
Protein change: p.Lys1150fs; shifts the reading frame from lysine 1150.
Molecular consequence: frameshift variant.
Genome position (GRCh38, 1-based): chrX:153,863,888-153,863,892, TATTT replaced by CCC on the plus strand (AAATA replaced by GGG on the coding strand, the reverse complement: L1CAM is on the minus strand). VCF-style: chrX-153863888-TATTT-CCC. GRCh37 (hg19) VCF-style: chrX-153129343-TATTT-CCC.
Other names: c.3448_3452delinsGGG, p.Lys1150fs (NM_000425.5, NM_024003.3); c.3433_3437delinsGGG, p.Lys1145fs (NM_001143963.2); short protein forms K1145fs, K1150fs.
Identifiers: ClinVar variation 964964 (VCV000964964.5), dbSNP rs2064686873, ClinGen allele CA1139667902.